The following is an entry in ClinVar:

ClinVar aggregate classification (germline): Pathogenic. Review status: reviewed by expert panel (3 of 4 stars). 3 submissions from 3 submitters: Pathogenic (1). 2 of the submissions do not count toward it. Last evaluated 2013-09-05.

Conditions:
Lynch syndrome. Identifiers: Orphanet 144, MedGen C4552100, MONDO:0005835. Disease mechanism: loss of function.

Submissions (3):

International Society for Gastrointestinal Hereditary Tumours (InSiGHT)
Classification: Pathogenic for Lynch Syndrome. Last evaluated: 2013-09-05. Review status: reviewed by expert panel. Criteria: Guidelines v1.9. Collection method: research. Allele origin: germline.
Comment: Large deletion

Classified with v1.9 guidelines

Labcorp Genetics (formerly Invitae), Labcorp
Classification: Pathogenic for Hereditary nonpolyposis colorectal neoplasms. Last evaluated: 2016-12-09. Review status: criteria provided, single submitter. Criteria: Invitae Variant Classification Sherloc (09022015). Collection method: clinical testing. Allele origin: germline. Not counted in ClinVar's aggregate classification.
Comment: This variant is a gross deletion of the genomic region encompassing exons 9-10 of the PMS2 gene. This creates a premature translational stop signal and is expected to result in an absent or disrupted protein product. Loss-of-function variants in PMS2, including gross deletions, are known to be pathogenic. A deletion of exons 9-10, along with a second pathogenic PMS2 variant, has been reported in the literature in an individual with early-onset colon cancer (PMID: 18602922). For these reasons, this variant has been classified as Pathogenic.

University of Washington Department of Laboratory Medicine, University of Washington
Classification: Pathogenic for Hereditary nonpolyposis colon cancer. Last evaluated: 2015-11-20. Review status: criteria provided, single submitter. Criteria: Shirts et al. (Genet Med 2016). Collection method: clinical testing. Allele origin: germline. Affected: yes. Observed: 1 variant allele. Not counted in ClinVar's aggregate classification.

NM_000535.5(PMS2):c.904-?_1144+?del

Gene: PMS2 (PMS1 homolog 2, mismatch repair system component; minus strand). Cytogenetic location: 7p22.1.
Variant type: Deletion.
Coding change: c.904-?_1144+?del on transcript NM_000535.5.
Other names: c.904-?_1144+?del (LRG_161t1).
Identifiers: ClinVar variation 91379 (VCV000091379.4).